The following is an entry in ClinVar:

ClinVar aggregate classification (germline): Uncertain significance. Review status: criteria provided, multiple submitters, no conflicts (2 of 4 stars). 7 submissions from 7 submitters: Uncertain significance (7). Last evaluated 2026-07-01.

Conditions:
Hereditary cancer-predisposing syndrome. Also called: Hereditary neoplastic syndrome; Neoplastic Syndromes, Hereditary; Hereditary Cancer Syndrome; Tumor predisposition. Identifiers: Orphanet 140162, MedGen C0027672, MeSH D009386, MONDO:0015356.
Von Hippel-Lindau syndrome (VHLS). Also called: VHL syndrome; Von Hippel-Lindau; von Hippel–Lindau syndrome. Identifiers: Orphanet 892, MedGen C0019562, MONDO:0008667, OMIM 193300. Disease mechanism: loss of function.
Chuvash polycythemia. Also called: POLYCYTHEMIA, VHL-DEPENDENT. Identifiers: Orphanet 238557, MedGen C1837915, MONDO:0009892, OMIM 263400.

Allele frequency attached by ClinVar (database versions not stated): gnomAD 0.00001; gnomAD exomes 0.00001; TOPMed 0.00002; 1000 Genomes Project 30x 0.00016.
gnomAD v4.1: 5 of 1,533,828 alleles (0.00033%); highest among the groups gnomAD compares: Admixed American, 0.0061%; no homozygotes.

Submissions (7):

CeGaT Center for Human Genetics Tuebingen
Classification: Uncertain significance. Last evaluated: 2026-07-01. Review status: criteria provided, single submitter. Criteria: CeGaT Center For Human Genetics Tuebingen Variant Classification Criteria Version 2. Collection method: clinical testing. Allele origin: germline. Affected: yes. Observed: 1 variant allele.
Comment: VHL: PM2

Labcorp Genetics (formerly Invitae), Labcorp
Classification: Uncertain significance for Von Hippel-Lindau syndrome; Chuvash polycythemia. Last evaluated: 2025-05-15. Review status: criteria provided, single submitter. Criteria: Invitae Variant Classification Sherloc (09022015). Collection method: clinical testing. Allele origin: germline.
Comment: This sequence change replaces glutamic acid, which is acidic and polar, with glutamine, which is neutral and polar, at codon 12 of the VHL protein (p.Glu12Gln). This variant is present in population databases (no rsID available, gnomAD 0.004%). This variant has not been reported in the literature in individuals affected with VHL-related conditions. ClinVar contains an entry for this variant (Variation ID: 420914). Invitae Evidence Modeling of protein sequence and biophysical properties (such as structural, functional, and spatial information, amino acid conservation, physicochemical variation, residue mobility, and thermodynamic stability) indicates that this missense variant is not expected to disrupt VHL protein function with a negative predictive value of 95%. In summary, the available evidence is currently insufficient to determine the role of this variant in disease. Therefore, it has been classified as a Variant of Uncertain Significance.

ARUP Laboratories, Molecular Genetics and Genomics, ARUP Laboratories
Classification: Uncertain significance. Last evaluated: 2025-02-21. Review status: criteria provided, single submitter. Criteria: ARUP Molecular Germline Variant Investigation Process 2024. Collection method: clinical testing. Allele origin: germline.
Comment: The VHL c.34G>C; p.Glu12Gln variant (rs1064794788), to our knowledge, is not reported in the medical literature but is reported in ClinVar (Variation ID: 420914). This variant is only observed on one allele in the Genome Aggregation Database (v2.1.1), indicating it is not a common polymorphism. Computational analyses are uncertain whether this variant is neutral or deleterious (REVEL: 0.210). Due to limited information, the clinical significance of this variant is uncertain at this time.

Ambry Genetics
Classification: Uncertain significance for Hereditary cancer-predisposing syndrome. Last evaluated: 2024-05-09. Review status: criteria provided, single submitter. Criteria: Ambry Variant Classification Scheme 2023. Collection method: clinical testing. Allele origin: germline.
Comment: The p.E12Q variant (also known as c.34G>C), located in coding exon 1 of the VHL gene, results from a G to C substitution at nucleotide position 34. The glutamic acid at codon 12 is replaced by glutamine, an amino acid with highly similar properties. This amino acid position is well conserved in available vertebrate species. In addition, this alteration is predicted to be tolerated by in silico analysis. Based on the available evidence, the clinical significance of this variant remains unclear.

All of Us Research Program, National Institutes of Health
Classification: Uncertain significance for Von Hippel-Lindau syndrome. Last evaluated: 2023-07-22. Review status: criteria provided, single submitter. Criteria: ACMG Guidelines, 2015. Collection method: clinical testing. Allele origin: germline. Inheritance: Autosomal dominant inheritance. Observed: 2 variant alleles, 2 heterozygotes.
Comment: This missense variant replaces glutamic acid with glutamine at codon 12 of the VHL protein. Computational prediction suggests that this variant may not impact protein structure and function (internally defined REVEL score threshold <= 0.5, PMID: 27666373). To our knowledge, functional studies have not been reported for this variant. This variant has not been reported in individuals affected with VHL-related disorders in the literature. This variant has been identified in 1/141144 chromosomes in the general population by the Genome Aggregation Database (gnomAD). The available evidence is insufficient to determine the role of this variant in disease conclusively. Therefore, this variant is classified as a Variant of Uncertain Significance.

This study involves interpretation of variants in research participants for the purpose of population health screening. Participant phenotype was not available at the time of variant classification. Additional details can be found in publication PMID: 35346344, PMCID: PMC8962531

Baylor Genetics
Classification: Uncertain significance for Chuvash polycythemia. Last evaluated: 2023-06-23. Review status: criteria provided, single submitter. Criteria: ACMG Guidelines, 2015. Collection method: clinical testing. Allele origin: unknown.

GeneDx
Classification: Uncertain significance. Last evaluated: 2016-04-08. Review status: criteria provided, single submitter. Criteria: GeneDx Variant Classification (06012015). Collection method: clinical testing. Allele origin: germline. Affected: yes.
Comment: This variant is denoted VHL c.34G>C at the cDNA level, p.Glu12Gln (E12Q) at the protein level, and results in the change of a Glutamic Acid to a Glutamine (GAG>CAG). This variant has not, to our knowledge, been published in the literature as pathogenic or benign. VHL Glu12Gln was not observed in approximately 5,500 individuals of European and African American ancestry in the NHLBI Exome Sequencing Project, suggesting it is not a common benign variant in these populations. Since Glutamic Acid and Glutamine differ in some properties, this is considered a semi-conservative amino acid substitution. VHL Glu12Gln occurs at a position that is not conserved and is located within a region involved in the binding of the ODD region of HIF-alpha subunits (Yuen 2009). In silico analyses are inconsistent regarding the effect this variant may have on protein structure and function. Based on currently available evidence, it is unclear whether VHL Glu12Gln is a pathogenic or benign variant. We consider it to be a variant of uncertain significance.

NM_000551.4(VHL):c.34G>C (p.Glu12Gln)

Gene: VHL (von Hippel-Lindau tumor suppressor; plus strand). Cytogenetic location: 3p25.3.
Variant type: single nucleotide variant.
Coding change: c.34G>C on transcript NM_000551.4 (MANE Select); coding-DNA position 34, G replaced by C.
Protein change: p.Glu12Gln; replaces glutamic acid 12 with glutamine.
Molecular consequence: missense variant.
Genome position (GRCh38, 1-based): chr3:10,141,881, G>C. VCF-style: chr3-10141881-G-C. GRCh37 (hg19) VCF-style: chr3-10183565-G-C.
Other names: c.34G>C, p.Glu12Gln (NM_001354723.2, NM_198156.3); short protein forms E12Q.
Identifiers: ClinVar variation 420914 (VCV000420914.21), dbSNP rs1064794788, ClinGen allele CA16617779.
Genomic context (GRCh38, chr3:10,141,881, plus strand): 5'-GCCCGGGTGGTCTGGATCGCGGAGGGAATGCCCCGGAGGGCGGAGAACTGGGACGAGGCC[G>C]AGGTAGGCGCGGAGGAGGCAGGCGTCGAAGAGTACGGCCCTGAAGAAGACGGCGGGGAGG-3'
Protein context (NP_000542.1, residues 2-22): PRRAENWDEA[Glu12Gln]VGAEEAGVEE